The following is an entry in ClinVar:

ClinVar aggregate classification (germline): Conflicting classifications of pathogenicity. Review status: criteria provided, conflicting classifications (1 of 4 stars). 6 submissions from 6 submitters: Uncertain significance (5); Likely benign (1). Last evaluated 2025-04-07.

Conditions:
Hereditary breast ovarian cancer syndrome. Also called: BRCA1- and BRCA2-Associated Hereditary Breast and Ovarian Cancer; Hereditary breast and/or ovarian cancer syndrome; Hereditary breast and ovarian cancer syndrome; Hereditary breast and ovarian cancer; Hereditary breast and ovarian cancer syndrome (HBOC); Breast and ovarian cancer. Identifiers: Orphanet 145, MedGen C0677776, MeSH D061325, MONDO:0003582. Disease mechanism: loss of function.
Hereditary cancer-predisposing syndrome. Also called: Hereditary neoplastic syndrome; Neoplastic Syndromes, Hereditary; Tumor predisposition; Hereditary Cancer Syndrome. Identifiers: Orphanet 140162, MedGen C0027672, MeSH D009386, MONDO:0015356.

Allele frequency attached by ClinVar (database versions not stated): gnomAD 0.00001 and 0.00003.
gnomAD v4.1: 1 of 1,612,100 alleles (0.000062%); highest among the groups gnomAD compares: African/African-American, 0.0013%; no homozygotes.

Submissions (6):

Color Diagnostics, LLC DBA Color Health
Classification: Uncertain significance for Hereditary cancer-predisposing syndrome. Last evaluated: 2025-04-07. Review status: criteria provided, single submitter. Criteria: ACMG Guidelines, 2015. Collection method: clinical testing. Allele origin: germline.
Comment: This missense variant replaces asparagine with aspartic acid at codon 1878 of the BRCA2 protein. Computational prediction suggests that this variant may not impact protein structure and function. To our knowledge, functional studies have not been reported for this variant. This variant has not been reported in individuals affected with BRCA2-related disorders in the literature. This variant has been identified in 1/31394 chromosomes in the general population by the Genome Aggregation Database (gnomAD). The available evidence is insufficient to determine the role of this variant in disease conclusively. Therefore, this variant is classified as a Variant of Uncertain Significance.

Labcorp Genetics (formerly Invitae), Labcorp
Classification: Uncertain significance for Hereditary breast ovarian cancer syndrome. Last evaluated: 2024-04-29. Review status: criteria provided, single submitter. Criteria: Invitae Variant Classification Sherloc (09022015). Collection method: clinical testing. Allele origin: germline.
Comment: This sequence change replaces asparagine, which is neutral and polar, with aspartic acid, which is acidic and polar, at codon 1878 of the BRCA2 protein (p.Asn1878Asp). This variant is present in population databases (no rsID available, gnomAD 0.01%). This variant has not been reported in the literature in individuals affected with BRCA2-related conditions. This variant is also known as c.5860A>G. ClinVar contains an entry for this variant (Variation ID: 421495). Advanced modeling of protein sequence and biophysical properties (such as structural, functional, and spatial information, amino acid conservation, physicochemical variation, residue mobility, and thermodynamic stability) performed at Invitae indicates that this missense variant is not expected to disrupt BRCA2 protein function with a negative predictive value of 95%. In summary, the available evidence is currently insufficient to determine the role of this variant in disease. Therefore, it has been classified as a Variant of Uncertain Significance.

Women's Health and Genetics/Laboratory Corporation of America, LabCorp
Classification: Uncertain significance. Last evaluated: 2024-01-01. Review status: criteria provided, single submitter. Criteria: LabCorp Variant Classification Summary - May 2015. Collection method: clinical testing. Allele origin: germline.

Ambry Genetics
Classification: Uncertain significance for Hereditary cancer-predisposing syndrome. Last evaluated: 2023-12-05. Review status: criteria provided, single submitter. Criteria: Ambry Variant Classification Scheme 2023. Collection method: clinical testing. Allele origin: germline.
Comment: The p.N1878D variant (also known as c.5632A>G), located in coding exon 10 of the BRCA2 gene, results from an A to G substitution at nucleotide position 5632. The asparagine at codon 1878 is replaced by aspartic acid, an amino acid with highly similar properties. This amino acid position is poorly conserved in available vertebrate species. In addition, this alteration is predicted to be tolerated by in silico analysis. Since supporting evidence is limited at this time, the clinical significance of this alteration remains unclear.

University of Washington Department of Laboratory Medicine, University of Washington
Classification: Likely benign for Hereditary cancer-predisposing syndrome. Last evaluated: 2023-03-23. Review status: criteria provided, single submitter. Criteria: Dines et al. (Genet Med. 2020). Collection method: curation. Allele origin: germline.
Comment: Missense variant in a coldspot region where missense variants are very unlikely to be pathogenic (PMID:31911673).

BRCA2 exon 11 coldspot. Reclassification based on statistical prior probability.

GeneDx
Classification: Uncertain significance. Last evaluated: 2016-06-22. Review status: criteria provided, single submitter. Criteria: GeneDx Variant Classification (06012015). Collection method: clinical testing. Allele origin: germline. Affected: yes.
Comment: This variant is denoted BRCA2 c.5632A>G at the cDNA level, p.Asn1878Asp (N1878D) at the protein level, and results in the change of an Asparagine to an Aspartic Acid (AAC>GAC). Using alternate nomenclature, this variant would be defined as BRCA2 5860A>G. This variant has not, to our knowledge, been published in the literature as pathogenic or benign. BRCA2 Asn1878Asp was not observed in approximately 6,500 individuals of European and African American ancestry in the NHLBI Exome Sequencing Project, suggesting it is not a common benign variant in these populations. Since Asparagine and Aspartic Acid differ in some properties, this is considered a semi-conservative amino acid substitution. BRCA2 Asn1878Asp occurs at a position that is not conserved and is located in the RAD51 binding domain (Roy 2012). In silico analyses predict that this variant is unlikely to alter protein structure or function. Based on currently available evidence, it is unclear whether BRCA2 Asn1878Asp is a pathogenic or benign variant. We consider it to be a variant of uncertain significance.

NM_000059.4(BRCA2):c.5632A>G (p.Asn1878Asp)

Gene: BRCA2 (BRCA2 DNA repair associated; plus strand). Cytogenetic location: 13q13.1.
Variant type: single nucleotide variant.
Coding change: c.5632A>G on transcript NM_000059.4 (MANE Select); coding-DNA position 5632, A replaced by G.
Protein change: p.Asn1878Asp; replaces asparagine 1878 with aspartic acid.
Molecular consequence: missense variant.
Genome position (GRCh38, 1-based): chr13:32,339,987, A>G. VCF-style: chr13-32339987-A-G. GRCh37 (hg19) VCF-style: chr13-32914124-A-G.
Other names: short protein forms N1878D.
Identifiers: ClinVar variation 421495 (VCV000421495.18), dbSNP rs397507358, ClinGen allele CA16619729.